The following is an entry in ClinVar:

ClinVar aggregate classification (germline): Uncertain significance (1 of 4 stars; one submission).

Submission:

GeneDx
Classification: Uncertain significance. Last evaluated: 2024-11-18. Review status: criteria provided, single submitter. Criteria: GeneDx Variant Classification Process June 2021. Collection method: clinical testing. Allele origin: germline. Affected: yes.
Comment: Not observed at significant frequency in large population cohorts (gnomAD); In silico analysis supports that this missense variant has a deleterious effect on protein structure/function; Has not been previously published as pathogenic or benign to our knowledge

NM_170606.3(KMT2C):c.3633G>C (p.Gln1211His)

Gene: KMT2C (lysine methyltransferase 2C; minus strand). Cytogenetic location: 7q36.1.
Variant type: single nucleotide variant.
Coding change: c.3633G>C on transcript NM_170606.3 (MANE Select); coding-DNA position 3633, G replaced by C.
Protein change: p.Gln1211His; replaces glutamine 1211 with histidine.
Molecular consequence: missense variant.
Genome position (GRCh38, 1-based): chr7:152,220,602, C>G on the plus strand (G>C on the coding strand, the complement: KMT2C is on the minus strand). VCF-style: chr7-152220602-C-G. GRCh37 (hg19) VCF-style: chr7-151917687-C-G.
Other names: short protein forms Q1211H.
Identifiers: ClinVar variation 3899766 (VCV003899766.1).